The following is an entry in ClinVar:

ClinVar aggregate classification (germline): Benign. Review status: criteria provided, multiple submitters, no conflicts (2 of 4 stars). 4 submissions from 4 submitters: Benign (4). Last evaluated 2026-02-04.

Conditions:
Retinitis pigmentosa (RP). Identifiers: Orphanet 791, MedGen C0035334, MeSH D012174, MONDO:0019200, OMIM 268000. Inheritance: Autosomal dominant, autosomal recessive and X linked inheritance.
Retinitis pigmentosa 9 (RP9). Identifiers: Orphanet 791, MedGen C1867300, MONDO:0008378, OMIM 180104.

Allele frequency attached by ClinVar (database versions not stated): gnomAD exomes 0.99254 and 0.99363; TOPMed 0.99338; gnomAD 0.99344 and 0.99364; ExAC 0.99376; ESP Exome Variant Server 0.99400; 1000 Genomes Project 30x 0.99641; 1000 Genomes Project 0.99661.
gnomAD v4.1: 1,588,594 of 1,600,374 alleles (99%); highest among the groups gnomAD compares: East Asian, 100%; 788,459 homozygotes.

Submissions (4):

Labcorp Genetics (formerly Invitae), Labcorp
Classification: Benign. Last evaluated: 2026-02-04. Review status: criteria provided, single submitter. Criteria: Invitae Variant Classification Sherloc (09022015). Collection method: clinical testing. Allele origin: germline.

ARUP Laboratories, Molecular Genetics and Genomics, ARUP Laboratories
Classification: Benign for Retinitis pigmentosa 9. Last evaluated: 2023-11-29. Review status: criteria provided, single submitter. Criteria: ARUP Molecular Germline Variant Investigation Process 2024. Collection method: clinical testing. Allele origin: germline.

Genome-Nilou Lab
Classification: Benign for Retinitis pigmentosa 9. Last evaluated: 2021-11-07. Review status: criteria provided, single submitter. Criteria: ACMG Guidelines, 2015. Collection method: clinical testing. Allele origin: germline. Affected: no.

Illumina Laboratory Services, Illumina
Classification: Benign for Retinitis pigmentosa. Last evaluated: 2018-01-12. Review status: criteria provided, single submitter. Criteria: ICSL Variant Classification Criteria 13 December 2019. Collection method: clinical testing. Allele origin: germline.
Comment: This variant was observed in the ICSL laboratory as part of a predisposition screen in an ostensibly healthy population. It had not been previously curated by ICSL or reported in the Human Gene Mutation Database (HGMD: prior to June 1st, 2018), and was therefore a candidate for classification through an automated scoring system. Utilizing variant allele frequency, disease prevalence and penetrance estimates, and inheritance mode, an automated score was calculated to assess if this variant is too frequent to cause the disease. Based on the score and internal cut-off values, a variant classified as benign is not then subjected to further curation. The score for this variant resulted in a classification of benign for this disease.

NM_203288.2(RP9):c.314-9C>T

Gene: RP9 (RP9 pre-mRNA splicing factor; minus strand). Cytogenetic location: 7p14.3.
Variant type: single nucleotide variant.
Coding change: c.314-9C>T on transcript NM_203288.2 (MANE Select); 9 bases into the intron before coding-DNA position 314, C replaced by T.
Molecular consequence: intron variant.
Genome position (GRCh38, 1-based): chr7:33,097,371, G>A on the plus strand (C>T on the coding strand, the complement: RP9 is on the minus strand). VCF-style: chr7-33097371-G-A. GRCh37 (hg19) VCF-style: chr7-33136983-G-A.
Identifiers: ClinVar variation 360045 (VCV000360045.21), dbSNP rs6462460, ClinGen allele CA4213761.